The following is an entry in ClinVar:

NM_182961.4(SYNE1):c.310-800C>T

Gene: SYNE1 (spectrin repeat containing nuclear envelope protein 1; minus strand). Cytogenetic location: 6q25.2.
Variant type: single nucleotide variant.
Coding change: c.310-800C>T on transcript NM_182961.4 (MANE Select); 800 bases into the intron before coding-DNA position 310, C replaced by T.
Molecular consequence: intron variant.
Genome position (GRCh38, 1-based): chr6:152,511,903, G>A on the plus strand (C>T on the coding strand, the complement: SYNE1 is on the minus strand). VCF-style: chr6-152511903-G-A. GRCh37 (hg19) VCF-style: chr6-152833038-G-A.
Other names: c.310-312C>T (NM_033071.5).
Identifiers: ClinVar variation 683899 (VCV000683899.1), dbSNP rs11155857, ClinGen allele CA150244684.

ClinVar aggregate classification (germline): Benign (1 of 4 stars; one submission).

Allele frequency attached by ClinVar (database versions not stated): gnomAD 0.15739 and 0.16291; TOPMed 0.16029; 1000 Genomes Project 30x 0.23079; 1000 Genomes Project 0.23642.
gnomAD v4.1: 24,743 of 151,974 alleles (16%); highest among the groups gnomAD compares: East Asian, 46%; 2,321 homozygotes.

Submission:

GeneDx
Classification: Benign. Last evaluated: 2018-06-14. Review status: criteria provided, single submitter. Criteria: GeneDx Variant Classification (06012015). Collection method: clinical testing. Allele origin: germline. Affected: yes.
Comment: This variant is considered likely benign or benign based on one or more of the following criteria: it is a conservative change, it occurs at a poorly conserved position in the protein, it is predicted to be benign by multiple in silico algorithms, and/or has population frequency not consistent with disease.